The following is an entry in ClinVar:

NM_182914.3(SYNE2):c.19336G>A (p.Val6446Ile)

Gene: SYNE2 (spectrin repeat containing nuclear envelope protein 2; plus strand). Cytogenetic location: 14q23.2.
Variant type: single nucleotide variant.
Coding change: c.19336G>A on transcript NM_182914.3 (MANE Select); coding-DNA position 19336, G replaced by A.
Protein change: p.Val6446Ile; replaces valine 6446 with isoleucine.
Molecular consequence: missense variant. On other transcripts: intron variant (1).
Genome position (GRCh38, 1-based): chr14:64,215,288, G>A. VCF-style: chr14-64215288-G-A. GRCh37 (hg19) VCF-style: chr14-64682006-G-A.
Other names: c.238G>A, p.Val80Ile (NM_182913.4); c.19333+818G>A (NM_015180.6); c.19336G>A (NM_182914.2); short protein forms V80I, V6446I.
Identifiers: ClinVar variation 2040316 (VCV002040316.7), dbSNP rs780320173, ClinGen allele CA7224400.

ClinVar aggregate classification (germline): Uncertain significance. Review status: criteria provided, multiple submitters, no conflicts (2 of 4 stars). 2 submissions from 2 submitters: Uncertain significance (2). Last evaluated 2022-09-15.

Conditions:
Emery-Dreifuss muscular dystrophy 5, autosomal dominant (EDMD5). Also called: EMERY-DREIFUSS MUSCULAR DYSTROPHY 5. Identifiers: Orphanet 261, MedGen C2751805, MONDO:0013072, OMIM 612999.

Allele frequency attached by ClinVar (database versions not stated): ExAC 0.00001; gnomAD 0.00001; gnomAD exomes 0.00001.
gnomAD v4.1: 6 of 1,614,004 alleles (0.00037%); highest among the groups gnomAD compares: East Asian, 0.0067%; no homozygotes.

Submissions (2):

Labcorp Genetics (formerly Invitae), Labcorp
Classification: Uncertain significance for Emery-Dreifuss muscular dystrophy 5, autosomal dominant. Last evaluated: 2022-09-15. Review status: criteria provided, single submitter. Criteria: Invitae Variant Classification Sherloc (09022015). Collection method: clinical testing. Allele origin: germline.
Comment: This sequence change replaces valine, which is neutral and non-polar, with isoleucine, which is neutral and non-polar, at codon 6446 of the SYNE2 protein (p.Val6446Ile). This variant is present in population databases (rs780320173, gnomAD 0.006%). This variant has not been reported in the literature in individuals affected with SYNE2-related conditions. Algorithms developed to predict the effect of missense changes on protein structure and function output the following: SIFT: "Tolerated"; PolyPhen-2: "Benign"; Align-GVGD: "Class C0". The isoleucine amino acid residue is found in multiple mammalian species, which suggests that this missense change does not adversely affect protein function. In summary, the available evidence is currently insufficient to determine the role of this variant in disease. Therefore, it has been classified as a Variant of Uncertain Significance.

Revvity Omics, Revvity
Classification: Uncertain significance for Emery-Dreifuss muscular dystrophy 5, autosomal dominant. Last evaluated: 2020-03-13. Review status: criteria provided, single submitter. Criteria: ACMG Guidelines, 2015. Collection method: clinical testing. Allele origin: germline.